The following is an entry in ClinVar:

ClinVar aggregate classification (germline): Uncertain significance (1 of 4 stars; one submission).

Conditions:
Maple syrup urine disease (MSUD). Identifiers: Orphanet 511, MedGen C0024776, MeSH D008375, MONDO:0009563. Disease mechanism: loss of function.

Allele frequency attached by ClinVar (database versions not stated): ExAC 0.00002; TOPMed 0.00002; gnomAD 0.00001; gnomAD exomes 0.00001.
gnomAD v4.1: 12 of 1,614,040 alleles (0.00074%); highest among the groups gnomAD compares: African/African-American, 0.0027%; no homozygotes.

Submission:

Labcorp Genetics (formerly Invitae), Labcorp
Classification: Uncertain significance for Maple syrup urine disease. Last evaluated: 2023-12-09. Review status: criteria provided, single submitter. Criteria: Invitae Variant Classification Sherloc (09022015). Collection method: clinical testing. Allele origin: germline.
Comment: This sequence change replaces valine, which is neutral and non-polar, with isoleucine, which is neutral and non-polar, at codon 72 of the BCKDHA protein (p.Val72Ile). This variant is present in population databases (rs373555514, gnomAD 0.02%). This variant has not been reported in the literature in individuals affected with BCKDHA-related conditions. Advanced modeling of protein sequence and biophysical properties (such as structural, functional, and spatial information, amino acid conservation, physicochemical variation, residue mobility, and thermodynamic stability) has been performed at Invitae for this missense variant, however the output from this modeling did not meet the statistical confidence thresholds required to predict the impact of this variant on BCKDHA protein function. In summary, the available evidence is currently insufficient to determine the role of this variant in disease. Therefore, it has been classified as a Variant of Uncertain Significance.

NM_000709.4(BCKDHA):c.214G>A (p.Val72Ile)

Gene: BCKDHA (branched chain keto acid dehydrogenase E1 subunit alpha; plus strand). Cytogenetic location: 19q13.2.
Variant type: single nucleotide variant.
Coding change: c.214G>A on transcript NM_000709.4 (MANE Select); coding-DNA position 214, G replaced by A.
Protein change: p.Val72Ile; replaces valine 72 with isoleucine.
Molecular consequence: missense variant.
Genome position (GRCh38, 1-based): chr19:41,410,742, G>A. VCF-style: chr19-41410742-G-A. GRCh37 (hg19) VCF-style: chr19-41916647-G-A.
Other names: c.214G>A, p.Val72Ile (NM_001164783.2); short protein forms V72I.
Identifiers: ClinVar variation 2731543 (VCV002731543.1), dbSNP rs373555514, ClinGen allele CA9461028.
Genomic context (GRCh38, chr19:41,410,742, plus strand): 5'-CCCCAGTTCCCAGGGGCCTCGGCGGAGTTTATAGATAAGTTGGAATTCATCCAGCCCAAC[G>A]TCATCTCTGGAATCCCCATCTACCGCGTCATGGACCGGCAAGGCCAGATCATCAACCCCA-3'
Protein context (NP_000700.1, residues 62-82): IDKLEFIQPN[Val72Ile]ISGIPIYRVM